The following is an entry in ClinVar:

ClinVar aggregate classification (germline): Uncertain significance (1 of 4 stars; one submission).

Allele frequency attached by ClinVar (database versions not stated): gnomAD exomes below 0.00001.
gnomAD v4.1: 1 of 1,551,098 alleles (0.000064%); highest among the groups gnomAD compares: Non-Finnish European, 0.000087%; no homozygotes.

Submission:

Labcorp Genetics (formerly Invitae), Labcorp
Classification: Uncertain significance. Last evaluated: 2022-08-22. Review status: criteria provided, single submitter. Criteria: Invitae Variant Classification Sherloc (09022015). Collection method: clinical testing. Allele origin: germline.
Comment: This variant is not present in population databases (gnomAD no frequency). This sequence change replaces histidine, which is basic and polar, with tyrosine, which is neutral and polar, at codon 162 of the TCIRG1 protein (p.His162Tyr). This variant has not been reported in the literature in individuals affected with TCIRG1-related conditions. Algorithms developed to predict the effect of missense changes on protein structure and function are either unavailable or do not agree on the potential impact of this missense change (SIFT: "Tolerated"; PolyPhen-2: "Possibly Damaging"; Align-GVGD: "Class C0"). In summary, the available evidence is currently insufficient to determine the role of this variant in disease. Therefore, it has been classified as a Variant of Uncertain Significance.

NM_006019.4(TCIRG1):c.484C>T (p.His162Tyr)

Gene: TCIRG1 (T cell immune regulator 1, ATPase H+ transporting V0 subunit a3; plus strand). Cytogenetic location: 11q13.2.
Variant type: single nucleotide variant.
Coding change: c.484C>T on transcript NM_006019.4 (MANE Select); coding-DNA position 484, C replaced by T.
Protein change: p.His162Tyr; replaces histidine 162 with tyrosine.
Molecular consequence: missense variant. On other transcripts: 5 prime UTR variant (2).
Genome position (GRCh38, 1-based): chr11:68,043,012, C>T. VCF-style: chr11-68043012-C-T. GRCh37 (hg19) VCF-style: chr11-67810479-C-T.
Other names: c.-766C>T (NM_001351059.2); c.-504C>T (NM_006053.4); short protein forms H162Y.
Identifiers: ClinVar variation 2074321 (VCV002074321.4), dbSNP rs2495617445, ClinGen allele CA381576930.
Genomic context (GRCh38, chr11:68,043,012, plus strand): 5'-GCCGCCCACACAGATGGGGCCTCAGAGAGGACGCCCCTGCTCCAGGCCCCCGGGGGGCCG[C>T]ACCAGGACCTGAGGGTCAAGTGAGTGAGGGATGACCTCATGCCCTTTCTGGCCAGCCCAG-3'
Protein context (NP_006010.2, residues 152-172): TPLLQAPGGP[His162Tyr]QDLRVNFVAG